The following is an entry in ClinVar:

NM_012275.3(IL36RN):c.398_413del (p.Leu133fs)

Gene: IL36RN (interleukin 36 receptor antagonist; plus strand). Cytogenetic location: 2q14.1.
Variant type: Deletion.
Coding change: c.398_413del on transcript NM_012275.3 (MANE Select); coding-DNA positions 398 to 413, 16 bases deleted (TCACCCAGCTTCCCGA).
Protein change: p.Leu133fs; shifts the reading frame from leucine 133.
Molecular consequence: frameshift variant.
Genome position (GRCh38, 1-based): chr2:113,062,607-113,062,622, TCACCCAGCTTCCCGA deleted. VCF-style (leftmost placement, unchanged base first): chr2-113062606-CTCACCCAGCTTCCCGA-C. GRCh37 (hg19) VCF-style: chr2-113820183-CTCACCCAGCTTCCCGA-C.
Other names: c.398_413del, p.Leu133fs (NM_173170.1); short protein forms L133fs.
Identifiers: ClinVar variation 1404513 (VCV001404513.6), dbSNP rs779718440, ClinGen allele CA1838459.

ClinVar aggregate classification (germline): Uncertain significance. Review status: criteria provided, multiple submitters, no conflicts (2 of 4 stars). 2 submissions from 2 submitters: Uncertain significance (2). Last evaluated 2024-10-15.

Conditions:
Generalized pustular psoriasis. Identifiers: Orphanet 247353, MedGen C0343055, MONDO:0100491.

Allele frequency attached by ClinVar (database versions not stated): gnomAD exomes below 0.00001; ExAC 0.00001.

Submissions (2):

Labcorp Genetics (formerly Invitae), Labcorp
Classification: Uncertain significance for Generalized pustular psoriasis. Last evaluated: 2024-10-15. Review status: criteria provided, single submitter. Criteria: Invitae Variant Classification Sherloc (09022015). Collection method: clinical testing. Allele origin: germline.
Comment: This sequence change results in a frameshift in the IL36RN gene (p.Leu133Argfs*34). While this is not anticipated to result in nonsense mediated decay, it is expected to disrupt the last 23 amino acid(s) of the IL36RN protein and extend the protein by 10 additional amino acid residues. This variant is present in population databases (rs779718440, gnomAD 0.003%). This variant has not been reported in the literature in individuals affected with IL36RN-related conditions. ClinVar contains an entry for this variant (Variation ID: 1404513). Experimental studies and prediction algorithms are not available or were not evaluated, and the functional significance of this variant is currently unknown. In summary, the available evidence is currently insufficient to determine the role of this variant in disease. Therefore, it has been classified as a Variant of Uncertain Significance.

Blueprint Genetics
Classification: Uncertain significance. Last evaluated: 2023-08-07. Review status: criteria provided, single submitter. Criteria: ACMG Guidelines, 2015. Collection method: clinical testing. Allele origin: germline.